The following is an entry in ClinVar:

NM_006758.3(U2AF1):c.101C>A (p.Ser34Tyr)

Gene: U2AF1 (U2 small nuclear RNA auxiliary factor 1; minus strand). Cytogenetic location: 21q22.3.
Variant type: single nucleotide variant.
Coding change: c.101C>A on transcript NM_006758.3 (MANE Select); coding-DNA position 101, C replaced by A.
Protein change: p.Ser34Tyr; replaces serine 34 with tyrosine.
Molecular consequence: missense variant. On other transcripts: 5 prime UTR variant (1).
Genome position (GRCh38, 1-based): chr21:43,104,346, G>T on the plus strand (C>A on the coding strand, the complement: U2AF1 is on the minus strand). VCF-style: chr21-43104346-G-T. GRCh37 (hg19) VCF-style: chr21-44524456-G-T.
Other names: c.101C>A, p.Ser34Tyr (NM_001025203.1); c.-186C>A (NM_001025204.2); short protein forms S34Y.
Identifiers: ClinVar variation 5038030 (VCV005038030.1), dbSNP rs371769427.

ClinVar aggregate classification (oncogenicity): Oncogenic (1 of 4 stars; one submission).

Conditions:
Acute myeloid leukemia (AML). Also called: Acute myeloid leukemia, adult; AML adult; Acute non-lymphocytic leukemia; Acute granulocytic leukemia; Leukemia, acute myeloid, somatic; Leukemia, acute myelogenous, somatic. Identifiers: Orphanet 519, MedGen C0023467, MeSH D015470, MONDO:0018874, OMIM 601626, HP:0004808. Disease mechanism: Constitutively activated FLT3.

Allele frequency attached by ClinVar (database versions not stated): gnomAD exomes 0.00001.

Submission:

Center for Virology of Infectious and Tropical Diseases (CVMIT), Mohammed V Military Teaching Hospital
Classification: Oncogenic for Acute myeloid leukemia. Last evaluated: 2026-10-16. Review status: criteria provided, single submitter. Criteria: ClinGen/CGC/VICC Guidelines for Oncogenicity, 2022. Collection method: research. Allele origin: somatic. Affected: yes. Observed: 1 variant allele.
Comment: U2AF1 p.Ser34Tyr. Oncogenicity classified with the ClinGen/CGC/VICC SOP (Horak et al. 2022, PMID:35101336). Criteria applied: OS2: S34Y alters splice-site recognition and cassette-exon splicing in K562 cells, recapitulating the AML S34 signature (PMID:25267526); OS3: U2AF1 S34 hotspot (85 tumours at S34 in an online resource), S34Y recurrent in myeloid neoplasms (PMID:22158538, PMID:21909114, PMID:28938223); concordant in silico predictions (CADD 31, AlphaMissense likely pathogenic 0.9995, SIFT deleterious) (OP1); absent from gnomAD v4 (OP4). Total 10 points (Oncogenic). ClinVar at analysis (release 2022-07-09, used by Ion Reporter): Variation ID 376026, Likely pathogenic (no assertion criteria provided); this record is no longer available in ClinVar. No current ClinVar record for this variant (consulted 2026-10-29).

Literature cited by the submitters: PubMed 25267526; PubMed 22158538; PubMed 21909114; PubMed 28938223.